The following is an entry in ClinVar:

ClinVar aggregate classification (germline): Uncertain significance (1 of 4 stars; one submission).

Conditions:
Epidermolysis bullosa simplex 5B, with muscular dystrophy (EBS5B). Also called: Epidermolysis bullosa simplex with muscular dystrophy; EPIDERMOLYSIS BULLOSA SIMPLEX AND LIMB-GIRDLE MUSCULAR DYSTROPHY. Identifiers: Orphanet 257, MedGen C2931072, MONDO:0009181, OMIM 226670.
Epidermolysis bullosa simplex, Ogna type (EBS5A). Also called: Pidermolysis bullosa simplex 5A, Ogna type; EPIDERMOLYSIS BULLOSA SIMPLEX 5A, OGNA TYPE. Identifiers: Orphanet 79401, MedGen C0432317, MONDO:0007555, OMIM 131950.
Autosomal recessive limb-girdle muscular dystrophy type 2Q (LGMDR17). Also called: MUSCULAR DYSTROPHY, LIMB-GIRDLE, AUTOSOMAL RECESSIVE 17. Identifiers: Orphanet 254361, MedGen C3150989, MONDO:0013390, OMIM 613723.
Epidermolysis bullosa simplex with nail dystrophy (EBS5D). Identifiers: MedGen C4225309, MONDO:0014661, OMIM 616487.
Epidermolysis bullosa simplex 5C, with pyloric atresia (EBS5C). Also called: Epidermolysis bullosa simplex with pyloric atresia; PLEC-Related Epidermolysis Bullosa with Pyloric Atresia; PLEC1-Related Epidermolysis Bullosa with Pyloric Atresia. Identifiers: Orphanet 158684, MedGen C2677349, MONDO:0012807, OMIM 612138.

Allele frequency attached by ClinVar (database versions not stated): TOPMed below 0.00001.

Submission:

Labcorp Genetics (formerly Invitae), Labcorp
Classification: Uncertain significance for Autosomal recessive limb-girdle muscular dystrophy type 2Q; Epidermolysis bullosa simplex, Ogna type; Epidermolysis bullosa simplex with nail dystrophy; Epidermolysis bullosa simplex 5C, with pyloric atresia; Epidermolysis bullosa simplex 5B, with muscular dystrophy. Last evaluated: 2020-10-27. Review status: criteria provided, single submitter. Criteria: Invitae Variant Classification Sherloc (09022015). Collection method: clinical testing. Allele origin: germline.
Comment: Algorithms developed to predict the effect of missense changes on protein structure and function are either unavailable or do not agree on the potential impact of this missense change (SIFT: "Deleterious"; PolyPhen-2: "Probably Damaging"; Align-GVGD: "Class C0"). This variant has not been reported in the literature in individuals with PLEC-related conditions. This variant is not present in population databases (ExAC no frequency). This sequence change replaces alanine with proline at codon 3703 of the PLEC protein (p.Ala3703Pro). The alanine residue is weakly conserved and there is a small physicochemical difference between alanine and proline. In summary, the available evidence is currently insufficient to determine the role of this variant in disease. Therefore, it has been classified as a Variant of Uncertain Significance.

NM_201384.3(PLEC):c.11026G>C (p.Ala3676Pro)

Gene: PLEC (plectin; minus strand). Cytogenetic location: 8q24.3.
Variant type: single nucleotide variant.
Coding change: c.11026G>C on transcript NM_201384.3 (MANE Select); coding-DNA position 11026, G replaced by C.
Protein change: p.Ala3676Pro; replaces alanine 3676 with proline.
Molecular consequence: missense variant.
Genome position (GRCh38, 1-based): chr8:143,918,795, C>G on the plus strand (G>C on the coding strand, the complement: PLEC is on the minus strand). VCF-style: chr8-143918795-C-G. GRCh37 (hg19) VCF-style: chr8-144992963-C-G.
Other names: c.11107G>C, p.Ala3703Pro (NM_000445.5); c.10984G>C, p.Ala3662Pro (NM_201378.4); c.10960G>C, p.Ala3654Pro (NM_201379.3); c.11437G>C, p.Ala3813Pro (NM_201380.4); c.10930G>C, p.Ala3644Pro (NM_201381.3); c.11026G>C, p.Ala3676Pro (NM_201382.4); c.11038G>C, p.Ala3680Pro (NM_201383.3); short protein forms A3644P, A3813P, A3654P, A3662P, A3703P, A3680P, A3676P.
Identifiers: ClinVar variation 1384234 (VCV001384234.8), dbSNP rs1821473306, ClinGen allele CA372494825.
Genomic context (GRCh38, chr8:143,918,795, plus strand): 5'-AGACACCAGCCACGGAGCCCGTGCCATAGAGGTAGCACCAGGCGGACTCCGCCTCGAGAG[C>G]CTCACGGAGGCTCCTGGTGCCCTCCCGGAGCAGGTTGTAGGTCTCGAGAGAGATGATCCG-3'
Protein context (NP_958786.1, residues 3666-3686): LREGTRSLRE[Ala3676Pro]LEAESAWCYL